The following is an entry in ClinVar:

NM_001134831.2(AHI1):c.1898G>A (p.Gly633Glu)

Gene: AHI1 (Abelson helper integration site 1; minus strand). Cytogenetic location: 6q23.3.
Variant type: single nucleotide variant.
Coding change: c.1898G>A on transcript NM_001134831.2 (MANE Select); coding-DNA position 1898, G replaced by A.
Protein change: p.Gly633Glu; replaces glycine 633 with glutamic acid.
Molecular consequence: missense variant.
Genome position (GRCh38, 1-based): chr6:135,442,596, C>T on the plus strand (G>A on the coding strand, the complement: AHI1 is on the minus strand). VCF-style: chr6-135442596-C-T. GRCh37 (hg19) VCF-style: chr6-135763734-C-T.
Other names: c.1898G>A, p.Gly633Glu (NM_001134830.2, NM_001134832.2, NM_001350503.2 and 2 more transcripts); short protein forms G633E.
Identifiers: ClinVar variation 1466073 (VCV001466073.6), dbSNP rs2128046191, ClinGen allele CA365744442.

ClinVar aggregate classification (germline): Uncertain significance (1 of 4 stars; one submission).

Conditions:
Joubert syndrome. Also called: CEREBELLOPARENCHYMAL DISORDER IV; JOUBERT-BOLTSHAUSER SYNDROME; Familial aplasia of the vermis. Identifiers: Orphanet 475, MedGen C5979921, MONDO:0018772.

Submission:

Labcorp Genetics (formerly Invitae), Labcorp
Classification: Uncertain significance for Joubert syndrome. Last evaluated: 2022-07-06. Review status: criteria provided, single submitter. Criteria: Invitae Variant Classification Sherloc (09022015). Collection method: clinical testing. Allele origin: germline.
Comment: This sequence change replaces glycine, which is neutral and non-polar, with glutamic acid, which is acidic and polar, at codon 633 of the AHI1 protein (p.Gly633Glu). This variant is not present in population databases (gnomAD no frequency). This variant has not been reported in the literature in individuals affected with AHI1-related conditions. ClinVar contains an entry for this variant (Variation ID: 1466073). Algorithms developed to predict the effect of missense changes on protein structure and function are either unavailable or do not agree on the potential impact of this missense change (SIFT: "Deleterious"; PolyPhen-2: "Possibly Damaging"; Align-GVGD: "Class C0"). In summary, the available evidence is currently insufficient to determine the role of this variant in disease. Therefore, it has been classified as a Variant of Uncertain Significance.